The following is an entry in ClinVar:

NM_018418.5(SPATA7):c.940A>G (p.Lys314Glu)

Gene: SPATA7 (spermatogenesis associated 7; plus strand). Cytogenetic location: 14q31.3.
Variant type: single nucleotide variant.
Coding change: c.940A>G on transcript NM_018418.5 (MANE Select); coding-DNA position 940, A replaced by G.
Protein change: p.Lys314Glu; replaces lysine 314 with glutamic acid.
Molecular consequence: missense variant.
Genome position (GRCh38, 1-based): chr14:88,429,375, A>G. VCF-style: chr14-88429375-A-G. GRCh37 (hg19) VCF-style: chr14-88895719-A-G.
Other names: c.844A>G, p.Lys282Glu (NM_001040428.4); short protein forms K282E, K314E.
Identifiers: ClinVar variation 2421434 (VCV002421434.6), dbSNP rs751570128, ClinGen allele CA390567307.

ClinVar aggregate classification (germline): Uncertain significance (1 of 4 stars; one submission).

Conditions:
Leber congenital amaurosis 3 (LCA3). Also called: SPATA7-Related Retinitis Pigmentosa. Identifiers: MedGen C1858677, MONDO:0011415, OMIM 604232.

Submission:

Labcorp Genetics (formerly Invitae), Labcorp
Classification: Uncertain significance for Leber congenital amaurosis 3. Last evaluated: 2022-08-19. Review status: criteria provided, single submitter. Criteria: Invitae Variant Classification Sherloc (09022015). Collection method: clinical testing. Allele origin: germline.
Comment: In summary, the available evidence is currently insufficient to determine the role of this variant in disease. Therefore, it has been classified as a Variant of Uncertain Significance. Algorithms developed to predict the effect of missense changes on protein structure and function output the following: SIFT: "Tolerated"; PolyPhen-2: "Benign"; Align-GVGD: "Class C0". The glutamic acid amino acid residue is found in multiple mammalian species, which suggests that this missense change does not adversely affect protein function. This variant has not been reported in the literature in individuals affected with SPATA7-related conditions. This variant is not present in population databases (gnomAD no frequency). This sequence change replaces lysine, which is basic and polar, with glutamic acid, which is acidic and polar, at codon 314 of the SPATA7 protein (p.Lys314Glu).